The following is an entry in ClinVar:

ClinVar aggregate classification (germline): Uncertain significance. Review status: criteria provided, multiple submitters, no conflicts (2 of 4 stars). 3 submissions from 3 submitters: Uncertain significance (3). Last evaluated 2024-02-19.

Allele frequency attached by ClinVar (database versions not stated): gnomAD exomes below 0.00001 and 0.00005; gnomAD 0.00001; TOPMed 0.00002.
gnomAD v4.1: 74 of 1,613,890 alleles (0.0046%); highest among the groups gnomAD compares: Non-Finnish European, 0.0056%; no homozygotes.

Submissions (3):

Blueprint Genetics
Classification: Uncertain significance. Last evaluated: 2024-02-19. Review status: criteria provided, single submitter. Criteria: ACMG Guidelines, 2015. Collection method: clinical testing. Allele origin: germline.

Labcorp Genetics (formerly Invitae), Labcorp
Classification: Uncertain significance. Last evaluated: 2024-01-09. Review status: criteria provided, single submitter. Criteria: Invitae Variant Classification Sherloc (09022015). Collection method: clinical testing. Allele origin: germline.
Comment: This sequence change replaces arginine, which is basic and polar, with tryptophan, which is neutral and slightly polar, at codon 1585 of the ABCA4 protein (p.Arg1585Trp). This variant is present in population databases (rs745512565, gnomAD 0.004%). This variant has not been reported in the literature in individuals affected with ABCA4-related conditions. ClinVar contains an entry for this variant (Variation ID: 387934). Advanced modeling of protein sequence and biophysical properties (such as structural, functional, and spatial information, amino acid conservation, physicochemical variation, residue mobility, and thermodynamic stability) has been performed at Invitae for this missense variant, however the output from this modeling did not meet the statistical confidence thresholds required to predict the impact of this variant on ABCA4 protein function. In summary, the available evidence is currently insufficient to determine the role of this variant in disease. Therefore, it has been classified as a Variant of Uncertain Significance.

GeneDx
Classification: Uncertain significance. Last evaluated: 2018-04-03. Review status: criteria provided, single submitter. Criteria: GeneDx Variant Classification (06012015). Collection method: clinical testing. Allele origin: germline. Affected: yes.
Comment: The R1585W variant in the ABCA4 gene has not been reported previously as a pathogenic variant, nor as a benign variant, to our knowledge. The R1585W variant was not observed in approximately 6,500 individuals of European and African American ancestry in the NHLBI Exome Sequencing Project, indicating it is not a common benign variant in these populations. Although the R1585W variant is a non-conservative amino acid substitution, which is likely to impact secondary protein structure as these residues differ in polarity, charge, size and/or other properties, this substitution occurs at a position that is not conserved across species. In silico analysis predicts this variant is probably damaging to the protein structure/function. Therefore, we interpret R1585W as a variant of uncertain significance.

NM_000350.3(ABCA4):c.4753C>T (p.Arg1585Trp)

Genes: ABCA4 (ATP binding cassette subfamily A member 4; minus strand), LOC126805793 (CDK7 strongly-dependent group 2 enhancer GRCh37_chr1:94486302-94487501; plus strand). Cytogenetic location: 1p22.1.
Variant type: single nucleotide variant.
Coding change: c.4753C>T on transcript NM_000350.3 (MANE Select); coding-DNA position 4753, C replaced by T.
Protein change: p.Arg1585Trp; replaces arginine 1585 with tryptophan.
Molecular consequence: missense variant.
Genome position (GRCh38, 1-based): chr1:94,021,866, G>A on the plus strand (C>T on the coding strand, the complement: ABCA4 is on the minus strand). VCF-style: chr1-94021866-G-A. GRCh37 (hg19) VCF-style: chr1-94487422-G-A.
Other names: c.4531C>T, p.Arg1511Trp (NM_001425324.1); short protein forms R1585W, R1511W.
Identifiers: ClinVar variation 387934 (VCV000387934.10), dbSNP rs745512565, ClinGen allele CA16603705.
Genomic context (GRCh38, chr1:94,021,866, plus strand): 5'-AGTCAAAAATCCTACTCAAATCTCCAGTCTGTTTACATACCCCGCTCACATTCATGATCC[G>A]GCCAAGGTCGCTTAAAAACCCAACAAGTGCTTCCCCCGTGATGGGGACGACTGGGAGCTT-3'
Protein context (NP_000341.2, residues 1575-1595): ALVGFLSDLG[Arg1585Trp]IMNVSGGPIT